The following is an entry in ClinVar:

ClinVar aggregate classification (germline): Uncertain significance (1 of 4 stars; one submission).

Allele frequency attached by ClinVar (database versions not stated): gnomAD exomes below 0.00001.
gnomAD v4.1: 2 of 1,614,164 alleles (0.00012%); highest among the groups gnomAD compares: Non-Finnish European, 0.00017%; no homozygotes.

Submission:

Labcorp Genetics (formerly Invitae), Labcorp
Classification: Uncertain significance. Last evaluated: 2022-03-01. Review status: criteria provided, single submitter. Criteria: Invitae Variant Classification Sherloc (09022015). Collection method: clinical testing. Allele origin: germline.
Comment: This sequence change replaces asparagine, which is neutral and polar, with lysine, which is basic and polar, at codon 377 of the ACBD5 protein (p.Asn377Lys). This variant is present in population databases (no rsID available, gnomAD 0.0009%). This variant has not been reported in the literature in individuals affected with ACBD5-related conditions. Algorithms developed to predict the effect of missense changes on protein structure and function (SIFT, PolyPhen-2, Align-GVGD) all suggest that this variant is likely to be tolerated. In summary, the available evidence is currently insufficient to determine the role of this variant in disease. Therefore, it has been classified as a Variant of Uncertain Significance.

NM_145698.5(ACBD5):c.1131T>A (p.Asn377Lys)

Gene: ACBD5 (acyl-CoA binding domain containing 5; minus strand). Cytogenetic location: 10p12.1.
Variant type: single nucleotide variant.
Coding change: c.1131T>A on transcript NM_145698.5 (MANE Select); coding-DNA position 1131, T replaced by A.
Protein change: p.Asn377Lys; replaces asparagine 377 with lysine.
Molecular consequence: missense variant.
Genome position (GRCh38, 1-based): chr10:27,210,887, A>T on the plus strand (T>A on the coding strand, the complement: ACBD5 is on the minus strand). VCF-style: chr10-27210887-A-T. GRCh37 (hg19) VCF-style: chr10-27499816-A-T.
Other names: c.1185T>A, p.Asn395Lys (NM_001352568.1); c.1164T>A, p.Asn388Lys (NM_001352569.1); c.1131T>A, p.Asn377Lys (NM_001352570.1); c.1158T>A, p.Asn386Lys (NM_001352571.1); c.1152T>A, p.Asn384Lys (NM_001352572.1); c.1110T>A, p.Asn370Lys (NM_001352573.1); c.1059T>A, p.Asn353Lys (NM_001352574.2, NM_001352575.2, NM_001352576.2); c.1026T>A, p.Asn342Lys (NM_001352577.2, NM_001042473.4, NM_001352578.2 and 1 more transcripts); and 10 more; short protein forms N318K, N320K, N384K, N395K, N274K, N307K, N324K, N370K.
Identifiers: ClinVar variation 2105336 (VCV002105336.4), dbSNP rs1323872686, ClinGen allele CA376373821.
Genomic context (GRCh38, chr10:27,210,887, plus strand): 5'-AACATTAGAGAATTCGTCAGTTTCTCCGCCTCGCTTCTCCCGGTGTGGTGCTCCGCTGTT[A>T]TTCCTGCCATCTTCTCCTCCATGCTTGACTTCACCTTTTCCTTCAACTGCAACCACCTGC-3'
Protein context (NP_663736.2, residues 367-387): EVKHGGEDGR[Asn377Lys]NSGAPHREKR